The following is an entry in ClinVar:

ClinVar aggregate classification (germline): Conflicting classifications of pathogenicity. Review status: criteria provided, conflicting classifications (1 of 4 stars). 2 submissions from 2 submitters: Uncertain significance (1); Likely benign (1). Last evaluated 2025-01-30.

Conditions:
Familial thoracic aortic aneurysm and aortic dissection (TAAD). Also called: Thoracic aortic aneurysms and dissections. Identifiers: Orphanet 91387, MedGen C4707243, MONDO:0019625.

gnomAD v4.1: 39 of 1,613,950 alleles (0.0024%); highest among the groups gnomAD compares: Non-Finnish European, 0.0032%; no homozygotes.

Submissions (2):

Mayo Clinic Laboratories, Mayo Clinic
Classification: Likely benign. Last evaluated: 2025-01-30. Review status: criteria provided, single submitter. Criteria: ACMG Guidelines, 2015. Collection method: clinical testing. Allele origin: germline. Observed: 1 variant allele.
Comment: BS1, BP4

Ambry Genetics
Classification: Uncertain significance for Familial thoracic aortic aneurysm and aortic dissection. Last evaluated: 2024-06-21. Review status: criteria provided, single submitter. Criteria: Ambry Variant Classification Scheme 2023. Collection method: clinical testing. Allele origin: germline.
Comment: The p.T1230I variant (also known as c.3689C>T), located in coding exon 51 of the COL5A2 gene, results from a C to T substitution at nucleotide position 3689. The threonine at codon 1230 is replaced by isoleucine, an amino acid with similar properties. This amino acid position is well conserved in available vertebrate species. In addition, this alteration is predicted to be tolerated by in silico analysis. Since supporting evidence is limited at this time, the clinical significance of this alteration remains unclear.

NM_000393.5(COL5A2):c.3689C>T (p.Thr1230Ile)

Gene: COL5A2 (collagen type V alpha 2 chain; minus strand). Cytogenetic location: 2q32.2.
Variant type: single nucleotide variant.
Coding change: c.3689C>T on transcript NM_000393.5 (MANE Select); coding-DNA position 3689, C replaced by T.
Protein change: p.Thr1230Ile; replaces threonine 1230 with isoleucine.
Molecular consequence: missense variant.
Genome position (GRCh38, 1-based): chr2:189,039,508, G>A on the plus strand (C>T on the coding strand, the complement: COL5A2 is on the minus strand). VCF-style: chr2-189039508-G-A. GRCh37 (hg19) VCF-style: chr2-189904234-G-A.
Other names: p.Thr1230Ile; short protein forms T1230I.
Identifiers: ClinVar variation 1733938 (VCV001733938.4), dbSNP rs62184175, ClinGen allele CA2021932.